The following is an entry in ClinVar:

NM_005559.4(LAMA1):c.8962C>T (p.Arg2988Cys)

Gene: LAMA1 (laminin subunit alpha 1; minus strand). Cytogenetic location: 18p11.31.
Variant type: single nucleotide variant.
Coding change: c.8962C>T on transcript NM_005559.4 (MANE Select); coding-DNA position 8962, C replaced by T.
Protein change: p.Arg2988Cys; replaces arginine 2988 with cysteine.
Molecular consequence: missense variant.
Genome position (GRCh38, 1-based): chr18:6,943,285, G>A on the plus strand (C>T on the coding strand, the complement: LAMA1 is on the minus strand). VCF-style: chr18-6943285-G-A. GRCh37 (hg19) VCF-style: chr18-6943284-G-A.
Other names: short protein forms R2988C.
Identifiers: ClinVar variation 748428 (VCV000748428.13), dbSNP rs138692442, ClinGen allele CA8880296.

ClinVar aggregate classification (germline): Likely benign. Review status: criteria provided, multiple submitters, no conflicts (2 of 4 stars). 4 submissions from 4 submitters: Likely benign (4). Last evaluated 2025-09-02.

Conditions:
Ataxia - intellectual disability - oculomotor apraxia - cerebellar cysts syndrome. Also called: Poretti-Boltshauser syndrome. Identifiers: Orphanet 370022, MedGen C4014821, MONDO:0014419, OMIM 615960.

Allele frequency attached by ClinVar (database versions not stated): gnomAD 0.00009 and 0.00019; TOPMed 0.00017; ESP Exome Variant Server 0.00023; gnomAD exomes 0.00023 and 0.00051; ExAC 0.00056; 1000 Genomes Project 0.00060; 1000 Genomes Project 30x 0.00062.
gnomAD v4.1: 367 of 1,614,188 alleles (0.023%); highest among the groups gnomAD compares: South Asian, 0.32%; 1 homozygote.

Submissions (4):

Women's Health and Genetics/Laboratory Corporation of America, LabCorp
Classification: Likely benign. Last evaluated: 2025-09-02. Review status: criteria provided, single submitter. Criteria: LabCorp Variant Classification Summary - May 2015. Collection method: clinical testing. Allele origin: germline.
Comment: Variant summary: LAMA1 c.8962C>T (p.Arg2988Cys) results in a non-conservative amino acid change located in the Laminin G domain (IPR001791) of the encoded protein sequence. Algorithms developed to predict the effect of missense changes on protein structure and function all suggest that this variant is likely to be disruptive. The variant allele was found at a frequency of 0.00051 in 251494 control chromosomes, predominantly at a frequency of 0.0033 within the South Asian subpopulation in the gnomAD database, including 1 homozygote. The observed variant frequency within South Asian control individuals in the gnomAD database exceeds the estimated maximal expected allele frequency for disease-causing variants in LAMA1. To our knowledge, no occurrence of c.8962C>T in individuals affected with LAMA1-related conditions and no experimental evidence demonstrating its impact on protein function have been reported. ClinVar contains an entry for this variant (Variation ID: 748428). Based on the evidence outlined above, the variant was classified as likely benign.

Labcorp Genetics (formerly Invitae), Labcorp
Classification: Likely benign. Last evaluated: 2025-07-31. Review status: criteria provided, single submitter. Criteria: Invitae Variant Classification Sherloc (09022015). Collection method: clinical testing. Allele origin: germline.

Blueprint Genetics
Classification: Likely benign. Last evaluated: 2024-09-02. Review status: criteria provided, single submitter. Criteria: ACMG Guidelines, 2015. Collection method: clinical testing. Allele origin: germline.

Revvity Omics, Revvity
Classification: Likely benign for Ataxia - intellectual disability - oculomotor apraxia - cerebellar cysts syndrome. Last evaluated: 2023-10-31. Review status: criteria provided, single submitter. Criteria: ACMG Guidelines, 2015. Collection method: clinical testing. Allele origin: germline.